The following is an entry in ClinVar:

NM_001042492.3(NF1):c.2304del (p.Thr770fs)

Gene: NF1 (neurofibromin 1; plus strand). Cytogenetic location: 17q11.2.
Variant type: Deletion.
Coding change: c.2304del on transcript NM_001042492.3 (MANE Select); coding-DNA position 2304, one base deleted (T; older notation c.2304delT).
Protein change: p.Thr770fs; shifts the reading frame from threonine 770.
Molecular consequence: frameshift variant.
Genome position (GRCh38, 1-based): chr17:31,227,270, T deleted. VCF-style (leftmost placement, unchanged base first): chr17-31227269-AT-A. GRCh37 (hg19) VCF-style: chr17-29554287-AT-A.
Other names: c.2304del, p.Thr770fs (NM_000267.4); short protein forms T770fs.
Identifiers: ClinVar variation 5025554 (VCV005025554.1).

ClinVar aggregate classification (germline): Pathogenic (1 of 4 stars; one submission).

Conditions:
Cardiovascular phenotype. Identifiers: MedGen CN230736.
Hereditary cancer-predisposing syndrome. Also called: Neoplastic Syndromes, Hereditary; Tumor predisposition; Hereditary neoplastic syndrome; Hereditary Cancer Syndrome. Identifiers: Orphanet 140162, MedGen C0027672, MeSH D009386, MONDO:0015356.

Submission:

Ambry Genetics
Classification: Pathogenic for Cardiovascular phenotype; Hereditary cancer-predisposing syndrome. Last evaluated: 2026-07-10. Review status: criteria provided, single submitter. Criteria: Ambry Variant Classification Scheme 2023. Collection method: clinical testing. Allele origin: germline.
Comment: The c.2304delT pathogenic mutation, located in coding exon 19 of the NF1 gene, results from a deletion of one nucleotide at nucleotide position 2304, causing a translational frameshift with a predicted alternate stop codon (p.T770Lfs*21). This variant is considered to be rare based on population cohorts in the Genome Aggregation Database (gnomAD). This variant was reported in individual(s) with features consistent with Neurofibromatosis type 1 (Ambry internal data). This alteration is expected to result in loss of function by premature protein truncation or nonsense-mediated mRNA decay. As such, this alteration is interpreted as a disease-causing mutation.